The following is an entry in ClinVar:

NM_173630.4(RTTN):c.6488C>G (p.Ala2163Gly)

Gene: RTTN (rotatin; minus strand). Cytogenetic location: 18q22.2.
Variant type: single nucleotide variant.
Coding change: c.6488C>G on transcript NM_173630.4 (MANE Select); coding-DNA position 6488, C replaced by G.
Protein change: p.Ala2163Gly; replaces alanine 2163 with glycine.
Molecular consequence: missense variant.
Genome position (GRCh38, 1-based): chr18:70,006,418, G>C on the plus strand (C>G on the coding strand, the complement: RTTN is on the minus strand). VCF-style: chr18-70006418-G-C. GRCh37 (hg19) VCF-style: chr18-67673654-G-C.
Other names: c.3752C>G, p.Ala1251Gly (NM_001318520.2); short protein forms A2163G, A1251G.
Identifiers: ClinVar variation 1912014 (VCV001912014.5), dbSNP rs772041707, ClinGen allele CA8994648.

ClinVar aggregate classification (germline): Uncertain significance (1 of 4 stars; one submission).

Allele frequency attached by ClinVar (database versions not stated): ExAC 0.00001.
gnomAD v4.1: 1 of 1,613,914 alleles (0.000062%); highest among the groups gnomAD compares: Admixed American, 0.0017%; no homozygotes.

Submission:

Labcorp Genetics (formerly Invitae), Labcorp
Classification: Uncertain significance. Last evaluated: 2022-04-01. Review status: criteria provided, single submitter. Criteria: Invitae Variant Classification Sherloc (09022015). Collection method: clinical testing. Allele origin: germline.
Comment: This sequence change replaces alanine, which is neutral and non-polar, with glycine, which is neutral and non-polar, at codon 2163 of the RTTN protein (p.Ala2163Gly). This variant is present in population databases (rs772041707, gnomAD 0.003%). This variant has not been reported in the literature in individuals affected with RTTN-related conditions. Algorithms developed to predict the effect of missense changes on protein structure and function are either unavailable or do not agree on the potential impact of this missense change (SIFT: "Tolerated"; PolyPhen-2: "Probably Damaging"; Align-GVGD: "Class C0"). In summary, the available evidence is currently insufficient to determine the role of this variant in disease. Therefore, it has been classified as a Variant of Uncertain Significance.